The following is an entry in ClinVar:

NM_017951.5(SMPD4):c.1352G>A (p.Arg451His)

Gene: SMPD4 (sphingomyelin phosphodiesterase 4; minus strand). Cytogenetic location: 2q21.1.
Variant type: single nucleotide variant.
Coding change: c.1352G>A on transcript NM_017951.5 (MANE Select); coding-DNA position 1352, G replaced by A.
Protein change: p.Arg451His; replaces arginine 451 with histidine.
Molecular consequence: missense variant. On other transcripts: non-coding transcript variant (2).
Genome position (GRCh38, 1-based): chr2:130,155,197, C>T on the plus strand (G>A on the coding strand, the complement: SMPD4 is on the minus strand). VCF-style: chr2-130155197-C-T. GRCh37 (hg19) VCF-style: chr2-130912770-C-T.
Other names: c.1163G>A, p.Arg388His (NM_001171083.2); c.1382G>A, p.Arg461His (NM_017751.4); short protein forms R461H, R451H, R388H.
Identifiers: ClinVar variation 2350497 (VCV002350497.2), dbSNP rs373604690, ClinGen allele CA1869782.
Genomic context (GRCh38, chr2:130,155,197, plus strand): 5'-TTGGCCACTCGGAACACCATGAGCGCGTGCTTGGGGCTGACCAGGTCTGTGCGGAGCGCG[C>T]GGTTCAGAAAGCCCACAAACAACTTGGTGTACATCAGCAGGTTCTCCTGGACAAAGGGTG-3'
Protein context (NP_060421.3, residues 441-461): YTKLFVGFLN[Arg451His]ALRTDLVSPK

ClinVar aggregate classification (germline): Uncertain significance (1 of 4 stars; one submission).

Conditions:
Inborn genetic diseases. Identifiers: MedGen C0950123, MeSH D030342.

Allele frequency attached by ClinVar (database versions not stated): ExAC 0.00006; gnomAD 0.00010; TOPMed 0.00011; ESP Exome Variant Server 0.00015.
gnomAD v4.1: 157 of 1,614,062 alleles (0.0097%); highest among the groups gnomAD compares: South Asian, 0.014%; no homozygotes.

Submission:

Ambry Genetics
Classification: Uncertain significance for Inborn genetic diseases. Last evaluated: 2021-03-08. Review status: criteria provided, single submitter. Criteria: Ambry Variant Classification Scheme 2023. Collection method: clinical testing. Allele origin: germline.
Comment: The c.1469G>A (p.R490H) alteration is located in exon 15 (coding exon 15) of the SMPD4 gene. This alteration results from a G to A substitution at nucleotide position 1469, causing the arginine (R) at amino acid position 490 to be replaced by a histidine (H). The in silico prediction for the p.R490H alteration is inconclusive. Based on insufficient or conflicting evidence, the clinical significance of this alteration remains unclear.